The following is an entry in ClinVar:

NM_031475.3(ESPN):c.2561A>G (p.Tyr854Cys)

Gene: ESPN (espin; plus strand). Cytogenetic location: 1p36.31.
Variant type: single nucleotide variant.
Coding change: c.2561A>G on transcript NM_031475.3 (MANE Select); coding-DNA position 2561, A replaced by G.
Protein change: p.Tyr854Cys; replaces tyrosine 854 with cysteine.
Molecular consequence: missense variant.
Genome position (GRCh38, 1-based): chr1:6,460,142, A>G. VCF-style: chr1-6460142-A-G. GRCh37 (hg19) VCF-style: chr1-6520202-A-G.
Other names: c.2561A>G (NM_031475.2); c.2471A>G, p.Tyr824Cys (NM_001367473.1); c.2498A>G, p.Tyr833Cys (NM_001367474.1); short protein forms Y833C, Y824C, Y854C.
Identifiers: ClinVar variation 1442340 (VCV001442340.10), dbSNP rs369745516, ClinGen allele CA560562.
Genomic context (GRCh38, chr1:6,460,142, plus strand): 5'-AGAGCAAGCTGGCGCCCTGGCAGCGACAGGTCATCCTGAAGAAGGGGGACATCGCTAAGT[A>G]CTAGAGGCCGCAGACTCCTGTCCGCAGCCTCGCAGCTCCGTGGGGCCCTCCGCCCCAGCC-3'
Protein context (NP_113663.2, residues 844-854): VILKKGDIAK[Tyr854Cys]

ClinVar aggregate classification (germline): Uncertain significance. Review status: criteria provided, multiple submitters, no conflicts (2 of 4 stars). 4 submissions from 4 submitters: Uncertain significance (4). Last evaluated 2026-09-25.

Conditions:
ESPN-related disorder. Also called: ESPN-related condition.

Allele frequency attached by ClinVar (database versions not stated): ExAC 0.00001; gnomAD 0.00001 and 0.00002; gnomAD exomes 0.00001 and 0.00002; TOPMed 0.00005; ESP Exome Variant Server 0.00008.

Submissions (4):

PreventionGenetics, part of Exact Sciences
Classification: Uncertain significance for ESPN-related condition. Last evaluated: 2026-09-25. Review status: criteria provided, single submitter. Criteria: ACMG Guidelines, 2015. Collection method: clinical testing. Allele origin: germline.
Comment: The ESPN c.2561A>G variant is predicted to result in the amino acid substitution p.Tyr854Cys. To our knowledge, this variant has not been reported in the literature. This variant is reported in 0.012% of alleles in individuals of Latino descent in gnomAD. At this time, the clinical significance of this variant is uncertain due to the absence of conclusive functional and genetic evidence.

Blueprint Genetics
Classification: Uncertain significance. Last evaluated: 2024-10-11. Review status: criteria provided, single submitter. Criteria: ACMG Guidelines, 2015. Collection method: clinical testing. Allele origin: germline.

Labcorp Genetics (formerly Invitae), Labcorp
Classification: Uncertain significance. Last evaluated: 2023-11-10. Review status: criteria provided, single submitter. Criteria: Invitae Variant Classification Sherloc (09022015). Collection method: clinical testing. Allele origin: germline.
Comment: This sequence change replaces tyrosine, which is neutral and polar, with cysteine, which is neutral and slightly polar, at codon 854 of the ESPN protein (p.Tyr854Cys). This variant is present in population databases (rs369745516, gnomAD 0.01%). This variant has not been reported in the literature in individuals affected with ESPN-related conditions. ClinVar contains an entry for this variant (Variation ID: 1442340). An algorithm developed to predict the effect of missense changes on protein structure and function (PolyPhen-2) suggests that this variant is likely to be disruptive. In summary, the available evidence is currently insufficient to determine the role of this variant in disease. Therefore, it has been classified as a Variant of Uncertain Significance.

GeneDx
Classification: Uncertain significance. Last evaluated: 2022-08-04. Review status: criteria provided, single submitter. Criteria: GeneDx Variant Classification Process June 2021. Collection method: clinical testing. Allele origin: germline. Affected: yes.
Comment: In silico analysis supports that this missense variant has a deleterious effect on protein structure/function; Has not been previously published as pathogenic or benign to our knowledge